The following is an entry in ClinVar:

NM_000179.3(MSH6):c.3710A>G (p.Glu1237Gly)

Gene: MSH6 (mutS homolog 6; plus strand). Cytogenetic location: 2p16.3.
Variant type: single nucleotide variant.
Coding change: c.3710A>G on transcript NM_000179.3 (MANE Select); coding-DNA position 3710, A replaced by G.
Protein change: p.Glu1237Gly; replaces glutamic acid 1237 with glycine.
Molecular consequence: missense variant. On other transcripts: non-coding transcript variant (5).
Genome position (GRCh38, 1-based): chr2:47,806,267, A>G. VCF-style: chr2-47806267-A-G. GRCh37 (hg19) VCF-style: chr2-48033406-A-G.
Other names: c.3710A>G, p.Glu1237Gly (NM_001406808.1, NM_001406809.1, NM_001406796.1 and 1 more transcripts); c.2804A>G, p.Glu935Gly (NM_001406811.1, NM_001406812.1, NM_001406814.1 and 6 more transcripts); c.3716A>G, p.Glu1239Gly (NM_001406813.1); c.2144A>G, p.Glu715Gly (NM_001406817.1); c.3413A>G, p.Glu1138Gly (NM_001406818.1, NM_001406819.1, NM_001406820.1 and 10 more transcripts); c.3542A>G, p.Glu1181Gly (NM_001406826.1); c.491A>G, p.Glu164Gly (NM_001406831.1); c.557A>G, p.Glu186Gly (NM_001406832.1); and 7 more; short protein forms E1181G, E186G, E1062G, E1107G, E1138G, E1239G, E935G, E1179G.
Identifiers: ClinVar variation 5024871 (VCV005024871.1).

ClinVar aggregate classification (germline): Uncertain significance (1 of 4 stars; one submission).

Conditions:
Hereditary cancer-predisposing syndrome. Also called: Neoplastic Syndromes, Hereditary; Tumor predisposition; Hereditary neoplastic syndrome; Hereditary Cancer Syndrome. Identifiers: Orphanet 140162, MedGen C0027672, MeSH D009386, MONDO:0015356.

Submission:

Ambry Genetics
Classification: Uncertain significance for Hereditary cancer-predisposing syndrome. Last evaluated: 2026-06-22. Review status: criteria provided, single submitter. Criteria: Ambry Variant Classification Scheme 2023. Collection method: clinical testing. Allele origin: germline.
Comment: The p.E1237G variant (also known as c.3710A>G), located in coding exon 8 of the MSH6 gene, results from an A to G substitution at nucleotide position 3710. The glutamic acid at codon 1237 is replaced by glycine, an amino acid with similar properties. This amino acid position is conserved. In addition, the in silico prediction for this alteration is inconclusive. Based on the available evidence, the clinical significance of this variant remains unclear.